The following is an entry in ClinVar:

NM_000388.4(CASR):c.888C>G (p.Ser296Arg)

Gene: CASR (calcium sensing receptor; plus strand). Cytogenetic location: 3q21.1.
Variant type: single nucleotide variant.
Coding change: c.888C>G on transcript NM_000388.4 (MANE Select); coding-DNA position 888, C replaced by G.
Protein change: p.Ser296Arg; replaces serine 296 with arginine.
Molecular consequence: missense variant.
Genome position (GRCh38, 1-based): chr3:122,261,923, C>G. VCF-style: chr3-122261923-C-G. GRCh37 (hg19) VCF-style: chr3-121980770-C-G.
Other names: c.888C>G, p.Ser296Arg (NM_001178065.2); short protein forms S296R.
Identifiers: ClinVar variation 3231594 (VCV003231594.3), dbSNP rs759988398, ClinGen allele CA354151567.
Genomic context (GRCh38, chr3:122,261,923, plus strand): 5'-TGAGCCCCTCATCAAGGAGATTGTCCGGCGCAATATCACGGGCAAGATCTGGCTGGCCAG[C>G]GAGGCCTGGGCCAGCTCCTCCCTGATCGCCATGCCTCAGTACTTCCACGTGGTTGGCGGC-3'
Protein context (NP_000379.3, residues 286-306): RNITGKIWLA[Ser296Arg]EAWASSSLIA

ClinVar aggregate classification (germline): Uncertain significance. Review status: criteria provided, multiple submitters, no conflicts (2 of 4 stars). 2 submissions from 2 submitters: Uncertain significance (2). Last evaluated 2024-09-30.

Conditions:
Familial hypocalciuric hypercalcemia (FHH). Also called: Familial benign hypercalcemia. Identifiers: Orphanet 405, MedGen C1809471, MONDO:0018458.
Autosomal dominant hypocalcemia 1 (HYPOC1). Also called: HYPOCALCEMIA, FAMILIAL. Identifiers: MedGen C3715128, MONDO:0011013, OMIM 601198.
Nephrolithiasis/nephrocalcinosis. Identifiers: MedGen CN580796.

gnomAD v4.1: 1 of 1,614,138 alleles (0.000062%); highest among the groups gnomAD compares: Non-Finnish European, 0.000085%; no homozygotes.

Submissions (2):

Labcorp Genetics (formerly Invitae), Labcorp
Classification: Uncertain significance for Familial hypocalciuric hypercalcemia; Autosomal dominant hypocalcemia 1. Last evaluated: 2024-09-30. Review status: criteria provided, single submitter. Criteria: Invitae Variant Classification Sherloc (09022015). Collection method: clinical testing. Allele origin: germline.
Comment: This sequence change replaces serine, which is neutral and polar, with arginine, which is basic and polar, at codon 296 of the CASR protein (p.Ser296Arg). This variant is not present in population databases (gnomAD no frequency). This variant has not been reported in the literature in individuals affected with CASR-related conditions. An algorithm developed to predict the effect of missense changes on protein structure and function (PolyPhen-2) suggests that this variant is likely to be disruptive. In summary, the available evidence is currently insufficient to determine the role of this variant in disease. Therefore, it has been classified as a Variant of Uncertain Significance.

Ambry Genetics
Classification: Uncertain significance for Nephrolithiasis/nephrocalcinosis. Last evaluated: 2023-06-11. Review status: criteria provided, single submitter. Criteria: Ambry Variant Classification Scheme 2023. Collection method: clinical testing. Allele origin: germline.
Comment: The p.S296R variant (also known as c.888C>G), located in coding exon 3 of the CASR gene, results from a C to G substitution at nucleotide position 888. The serine at codon 296 is replaced by arginine, an amino acid with dissimilar properties. This amino acid position is conserved. In addition, this alteration is predicted to be deleterious by in silico analysis. Since supporting evidence is limited at this time, the clinical significance of this alteration remains unclear.